The following is an entry in ClinVar:

ClinVar aggregate classification (germline): Uncertain significance (1 of 4 stars; one submission).

Conditions:
Hereditary cancer-predisposing syndrome. Also called: Neoplastic Syndromes, Hereditary; Tumor predisposition; Hereditary Cancer Syndrome; Hereditary neoplastic syndrome. Identifiers: Orphanet 140162, MedGen C0027672, MeSH D009386, MONDO:0015356.

Submission:

Ambry Genetics
Classification: Uncertain significance for Hereditary cancer-predisposing syndrome. Last evaluated: 2026-05-22. Review status: criteria provided, single submitter. Criteria: Ambry Variant Classification Scheme 2023. Collection method: clinical testing. Allele origin: germline.
Comment: The p.S572L variant (also known as c.1715C>T), located in coding exon 9 of the MEN1 gene, results from a C to T substitution at nucleotide position 1715. The serine at codon 572 is replaced by leucine, an amino acid with dissimilar properties. This amino acid position is highly conserved in available vertebrate species. In addition, this alteration is predicted to be deleterious by in silico analysis. Based on the available evidence, the clinical significance of this variant remains unclear.

NM_001370259.2(MEN1):c.1715C>T (p.Ser572Leu)

Gene: MEN1 (menin 1; minus strand). Cytogenetic location: 11q13.1.
Variant type: single nucleotide variant.
Coding change: c.1715C>T on transcript NM_001370259.2 (MANE Select); coding-DNA position 1715, C replaced by T.
Protein change: p.Ser572Leu; replaces serine 572 with leucine.
Molecular consequence: missense variant. On other transcripts: non-coding transcript variant (4).
Genome position (GRCh38, 1-based): chr11:64,804,452, G>A on the plus strand (C>T on the coding strand, the complement: MEN1 is on the minus strand). VCF-style: chr11-64804452-G-A. GRCh37 (hg19) VCF-style: chr11-64571924-G-A.
Other names: c.1730C>T, p.Ser577Leu (NM_000244.4, NM_001407145.1, NM_130800.3 and 4 more transcripts); c.1841C>T, p.Ser614Leu (NM_001370251.2, NM_001407142.1, NM_001407143.1 and 1 more transcripts); c.1715C>T, p.Ser572Leu (NM_001370260.2, NM_001370261.2, NM_001407146.1 and 2 more transcripts); c.1610C>T, p.Ser537Leu (NM_001370262.2, NM_001370263.2, NM_001407148.1 and 1 more transcripts); c.1856C>T, p.Ser619Leu (NM_001407150.1); c.1736C>T, p.Ser579Leu (NM_001407151.1); c.1550C>T, p.Ser517Leu (NM_001407152.1); short protein forms S517L, S537L, S572L, S577L, S579L, S614L, S619L.
Identifiers: ClinVar variation 4859913 (VCV004859913.1).